The following is an entry in ClinVar:

ClinVar aggregate classification (germline): Pathogenic. Review status: criteria provided, multiple submitters, no conflicts (2 of 4 stars). 4 submissions from 4 submitters: Pathogenic (4). Last evaluated 2024-10-16.

Conditions:
Autosomal recessive nonsyndromic hearing loss 77. Identifiers: Orphanet 90636, MedGen C2746083, MONDO:0013119, OMIM 613079.

Allele frequency attached by ClinVar (database versions not stated): gnomAD exomes below 0.00001.
gnomAD v4.1: 1 of 1,551,722 alleles (0.000064%); highest among the groups gnomAD compares: Non-Finnish European, 0.000087%; no homozygotes.

Submissions (4):

Natera, Inc.
Classification: Pathogenic for Autosomal recessive deafness type 77. Last evaluated: 2024-10-16. Review status: criteria provided, single submitter. Criteria: Natera Variant Classification Schema (03/2026). Collection method: clinical testing. Allele origin: germline.
Comment: The c.894T>G variant in LOXHD1 is a nonsense variant predicted to introduce a stop codon at amino acid 298. This variant is expected to result in nonsense mediated decay, truncation, or a dysfunctional protein product. This variant is rare in the general population with a frequency below the threshold expected for the associated phenotype(s). This variant has been observed in one or more individuals affected with the associated recessive disease, as either homozygous or compound heterozygous with a second variant (PMID: 26969326). Given the available evidence, this variant is classified as Pathogenic.

Labcorp Genetics (formerly Invitae), Labcorp
Classification: Pathogenic. Last evaluated: 2023-05-22. Review status: criteria provided, single submitter. Criteria: Invitae Variant Classification Sherloc (09022015). Collection method: clinical testing. Allele origin: germline.
Comment: For these reasons, this variant has been classified as Pathogenic. ClinVar contains an entry for this variant (Variation ID: 286635). This premature translational stop signal has been observed in individual(s) with autosomal recessive deafness (PMID: 26969326). This variant is not present in population databases (gnomAD no frequency). This sequence change creates a premature translational stop signal (p.Tyr298*) in the LOXHD1 gene. It is expected to result in an absent or disrupted protein product. Loss-of-function variants in LOXHD1 are known to be pathogenic (PMID: 19732867, 21465660, 25792669).

HudsonAlpha Institute for Biotechnology
Classification: Pathogenic for Autosomal recessive nonsyndromic hearing loss 77. Last evaluated: 2021-02-17. Review status: criteria provided, single submitter. Criteria: ACMG Guidelines, 2015. Collection method: research. Allele origin: paternal. Affected: yes. Observed: 1 variant allele. Study: HudsonAlpha-AGHI-WGS.
Comment: ACMG codes:PVS1, PM2, PP5

Eurofins Ntd Llc (ga)
Classification: Pathogenic. Last evaluated: 2016-03-28. Review status: criteria provided, single submitter. Criteria: EGL Classification Definitions 2015. Collection method: clinical testing. Allele origin: germline. Observed: 1 variant allele, 1 heterozygote.

Literature cited by the submitters: PubMed 26969326 (cited by Natera, Inc. and Labcorp Genetics (formerly Invitae), Labcorp); PubMed 19732867 (cited by Labcorp Genetics (formerly Invitae), Labcorp); PubMed 21465660 (cited by Labcorp Genetics (formerly Invitae), Labcorp); PubMed 25792669 (cited by Labcorp Genetics (formerly Invitae), Labcorp).

NM_001384474.1(LOXHD1):c.894T>G (p.Tyr298Ter)

Gene: LOXHD1 (lipoxygenase homology PLAT domains 1; minus strand). Cytogenetic location: 18q21.1.
Variant type: single nucleotide variant.
Coding change: c.894T>G on transcript NM_001384474.1 (MANE Select); coding-DNA position 894, T replaced by G.
Protein change: p.Tyr298Ter; replaces tyrosine 298 with a stop codon.
Molecular consequence: nonsense.
Genome position (GRCh38, 1-based): chr18:46,601,457, A>C on the plus strand (T>G on the coding strand, the complement: LOXHD1 is on the minus strand). VCF-style: chr18-46601457-A-C. GRCh37 (hg19) VCF-style: chr18-44181420-A-C.
Other names: c.894T>G, p.Tyr298Ter (NM_144612.7); short protein forms Y298*.
Identifiers: ClinVar variation 286635 (VCV000286635.14), dbSNP rs886043441, ClinGen allele CA10605528.